The following is an entry in ClinVar:

ClinVar aggregate classification (germline): Likely pathogenic (1 of 4 stars; one submission).

Conditions:
OPA1-related optic atrophy with or without extraocular features. Identifiers: MedGen CN322459, MONDO:0800181.

Submission:

Victorian Clinical Genetics Services, Murdoch Childrens Research Institute
Classification: Likely pathogenic for OPA1-related optic atrophy with or without extraocular features. Last evaluated: 2026-05-07. Review status: criteria provided, single submitter. Criteria: ACMG Guidelines, 2015. Collection method: clinical testing. Allele origin: germline. Affected: yes.
Comment: This variant is classified as Likely pathogenic. Evidence in support of pathogenic classification: Variant is absent from gnomAD (v2, v3 and v4); This variant has strong evidence for segregation with disease. This variant, shown to be in cis with p.(Ile368Glu), has been reported to segregate in 51 family members with 100% penetrance (PMID: 17306754); Missense variant predicted to be damaging by in silico tool(s) or highly conserved with a major amino acid change. Additional information: Variant is predicted to result in a missense amino acid change from Thr to Ala; This variant is heterozygous; This gene is associated with both recessive and dominant OPA1-related optic atrophy with or without extraocular features (MONDO:0800181); This variant has no previous evidence of pathogenicity; Functional evidence for this variant is inconclusive. Although reduced OPA1 protein levels and impaired OXPHOS efficiency was demonstrated, experiments were performed on combined total protein lysates from lymphoblastoid cell lines generated from multiple carriers of pathogenic variants, including a cell line carrying both p.(Ile368Glu) and p.(Thr431Ala). Therefore, it is difficult to determine the specific functional consequence of our variant of interest (PMID: 21731710); Another missense variant(s) comparable to the one identified in this case has inconclusive previous evidence for pathogenicity. p.(Thr431Ile) has been classified once as a VUS by a clinical laboratory in ClinVar; Variant is located in the annotated GTPase domain (PMID: 11855928); Loss of function is a known mechanism of disease in this gene and is associated with OPA1-related optic atrophy with or without extraocular features (MONDO:0800181); The condition associated with this gene has incomplete penetrance (PMID: 17306754); Inheritance information for this variant is not currently available in this individual.

Literature cited by the submitters: PubMed 11855928; PubMed 17306754; PubMed 21731710.

NM_130837.3(OPA1):c.1291A>G (p.Thr431Ala)

Gene: OPA1 (OPA1 mitochondrial dynamin like GTPase; plus strand). Cytogenetic location: 3q29.
Variant type: single nucleotide variant.
Coding change: c.1291A>G on transcript NM_130837.3 (MANE Select); coding-DNA position 1291, A replaced by G.
Protein change: p.Thr431Ala; replaces threonine 431 with alanine.
Molecular consequence: missense variant.
Genome position (GRCh38, 1-based): chr3:193,643,035, A>G. VCF-style: chr3-193643035-A-G. GRCh37 (hg19) VCF-style: chr3-193360824-A-G.
Other names: c.1180A>G, p.Thr394Ala (NM_130834.3); c.1183A>G, p.Thr395Ala (NM_130835.3); c.1237A>G, p.Thr413Ala (NM_130836.3); c.757A>G, p.Thr253Ala (NM_001354663.2); c.754A>G, p.Thr252Ala (NM_001354664.2); c.1126A>G, p.Thr376Ala (NM_015560.3); c.1018A>G, p.Thr340Ala (NM_130831.3); c.1072A>G, p.Thr358Ala (NM_130832.3); and 1 more; short protein forms T252A, T253A, T340A, T358A, T376A, T377A, T394A, T395A.
Identifiers: ClinVar variation 3377425 (VCV003377425.2).